The following is an entry in ClinVar:

ClinVar aggregate classification (germline): Benign/Likely benign. Review status: criteria provided, multiple submitters, no conflicts (2 of 4 stars). 3 submissions from 3 submitters: Benign (1); Likely benign (2). Last evaluated 2025-08-22.

Conditions:
Colorectal cancer, susceptibility to, 12 (CRCS12). Also called: COLORECTAL CANCER, SUSCEPTIBILITY TO, ON CHROMOSOME 12q24. Identifiers: Orphanet 220460, MedGen C3554460, MONDO:0014038, OMIM 615083.
Hereditary cancer-predisposing syndrome. Also called: Hereditary Cancer Syndrome; Tumor predisposition; Neoplastic Syndromes, Hereditary; Hereditary neoplastic syndrome. Identifiers: Orphanet 140162, MedGen C0027672, MeSH D009386, MONDO:0015356.

Submissions (3):

Ambry Genetics
Classification: Likely benign for Hereditary cancer-predisposing syndrome. Last evaluated: 2025-08-22. Review status: criteria provided, single submitter. Criteria: Ambry Variant Classification Scheme 2023. Collection method: clinical testing. Allele origin: germline.

Myriad Genetics, Inc.
Classification: Benign for Colorectal cancer, susceptibility to, 12. Last evaluated: 2025-02-07. Review status: criteria provided, single submitter. Criteria: Myriad Autosomal Dominant, Autosomal Recessive and X-Linked Classification Criteria (2023). Collection method: clinical testing. Allele origin: unknown.
Comment: This variant is considered benign. This variant is a silent/synonymous amino acid change and it is not expected to impact splicing.

Labcorp Genetics (formerly Invitae), Labcorp
Classification: Likely benign. Last evaluated: 2023-11-28. Review status: criteria provided, single submitter. Criteria: Invitae Variant Classification Sherloc (09022015). Collection method: clinical testing. Allele origin: germline.

NM_006231.4(POLE):c.966C>T (p.Phe322=)

Gene: POLE (DNA polymerase epsilon, catalytic subunit; minus strand). Cytogenetic location: 12q24.33.
Variant type: single nucleotide variant.
Coding change: c.966C>T on transcript NM_006231.4 (MANE Select); coding-DNA position 966, C replaced by T.
Protein change: p.Phe322=; no amino-acid change (phenylalanine 322 retained).
Molecular consequence: synonymous variant.
Genome position (GRCh38, 1-based): chr12:132,676,148, G>A on the plus strand (C>T on the coding strand, the complement: POLE is on the minus strand). VCF-style: chr12-132676148-G-A. GRCh37 (hg19) VCF-style: chr12-133252734-G-A.
Other names: c.966C>T (NM_006231.2).
Identifiers: ClinVar variation 1542774 (VCV001542774.10), dbSNP rs2136013841, ClinGen allele CA482722975.
Genomic context (GRCh38, chr12:132,676,148, plus strand): 5'-CCTTACCTCATCGGGTTCATTGAAGACACAAAAGGGGCCTTCATATTCTGGCTTGGGGGT[G>A]AACTCAAAATCTTCAATATCTTCTGAAACAATCTCCCTGTTGGTGATGAGGTAGCCCTAG-3'
Protein context (NP_006222.2, residues 312-332): IVSEDIEDFE[Phe322=]TPKPEYEGPF